The following is an entry in ClinVar:

ClinVar aggregate classification (germline): Likely benign. Review status: criteria provided, multiple submitters, no conflicts (2 of 4 stars). 3 submissions from 3 submitters: Likely benign (3). Last evaluated 2025-01-01.

Conditions:
Inborn genetic diseases. Identifiers: MedGen C0950123, MeSH D030342.

Allele frequency attached by ClinVar (database versions not stated): ExAC 0.00001; gnomAD 0.00003; TOPMed 0.00003; 1000 Genomes Project 30x 0.00016; 1000 Genomes Project 0.00020.
gnomAD v4.1: 29 of 1,614,028 alleles (0.0018%); highest among the groups gnomAD compares: Middle Eastern, 0.016%; no homozygotes.

Submissions (3):

Ambry Genetics
Classification: Likely benign for Inborn genetic diseases. Last evaluated: 2025-01-01. Review status: criteria provided, single submitter. Criteria: Ambry Variant Classification Scheme 2023. Collection method: clinical testing. Allele origin: germline.

Labcorp Genetics (formerly Invitae), Labcorp
Classification: Likely benign. Last evaluated: 2023-08-04. Review status: criteria provided, single submitter. Criteria: Invitae Variant Classification Sherloc (09022015). Collection method: clinical testing. Allele origin: germline.

CeGaT Center for Human Genetics Tuebingen
Classification: Likely benign. Last evaluated: 2023-06-01. Review status: criteria provided, single submitter. Criteria: CeGaT Center For Human Genetics Tuebingen Variant Classification Criteria Version 2. Collection method: clinical testing. Allele origin: germline. Affected: yes. Observed: 1 variant allele.
Comment: KMT2C: BP4, BS1

NM_170606.3(KMT2C):c.6038G>A (p.Arg2013Lys)

Gene: KMT2C (lysine methyltransferase 2C; minus strand). Cytogenetic location: 7q36.1.
Variant type: single nucleotide variant.
Coding change: c.6038G>A on transcript NM_170606.3 (MANE Select); coding-DNA position 6038, G replaced by A.
Protein change: p.Arg2013Lys; replaces arginine 2013 with lysine.
Molecular consequence: missense variant.
Genome position (GRCh38, 1-based): chr7:152,181,822, C>T on the plus strand (G>A on the coding strand, the complement: KMT2C is on the minus strand). VCF-style: chr7-152181822-C-T. GRCh37 (hg19) VCF-style: chr7-151878907-C-T.
Other names: c.6038G>A (NM_170606.2); short protein forms R2013K.
Identifiers: ClinVar variation 2658219 (VCV002658219.28), dbSNP rs573962770, ClinGen allele CA4580145.